The following is an entry in ClinVar:

ClinVar aggregate classification (germline): Uncertain significance (1 of 4 stars; one submission).

Conditions:
Hyperphosphatasia with impaired intellectual development syndrome 2. Also called: Hyperphosphatasia with intellectual disability syndrome 2; GLYCOSYLPHOSPHATIDYLINOSITOL BIOSYNTHESIS DEFECT 6. Identifiers: Orphanet 247262, MedGen C3553637, MONDO:0013882, OMIM 614749.

Submission:

Labcorp Genetics (formerly Invitae), Labcorp
Classification: Uncertain significance for Hyperphosphatasia with impaired intellectual development syndrome 2. Last evaluated: 2019-12-11. Review status: criteria provided, single submitter. Criteria: Invitae Variant Classification Sherloc (09022015). Collection method: clinical testing. Allele origin: germline.
Comment: In summary, the available evidence is currently insufficient to determine the role of this variant in disease. Therefore, it has been classified as a Variant of Uncertain Significance. Algorithms developed to predict the effect of missense changes on protein structure and function are either unavailable or do not agree on the potential impact of this missense change (SIFT: "Tolerated"; PolyPhen-2: "Possibly Damaging"; Align-GVGD: "Class C0"). This variant has not been reported in the literature in individuals with PIGO-related conditions. This variant is not present in population databases (ExAC no frequency). This sequence change replaces proline with leucine at codon 730 of the PIGO protein (p.Pro730Leu). The proline residue is moderately conserved and there is a moderate physicochemical difference between proline and leucine.

NM_032634.4(PIGO):c.2189C>T (p.Pro730Leu)

Gene: PIGO (phosphatidylinositol glycan anchor biosynthesis class O; minus strand). Cytogenetic location: 9p13.3.
Variant type: single nucleotide variant.
Coding change: c.2189C>T on transcript NM_032634.4 (MANE Select); coding-DNA position 2189, C replaced by T.
Protein change: p.Pro730Leu; replaces proline 730 with leucine.
Molecular consequence: missense variant. On other transcripts: intron variant (2).
Genome position (GRCh38, 1-based): chr9:35,091,698, G>A on the plus strand (C>T on the coding strand, the complement: PIGO is on the minus strand). VCF-style: chr9-35091698-G-A. GRCh37 (hg19) VCF-style: chr9-35091695-G-A.
Other names: c.1345-407C>T (NM_152850.4, NM_001201484.2); short protein forms P730L.
Identifiers: ClinVar variation 856394 (VCV000856394.9), dbSNP rs561174794, ClinGen allele CA373320602.
Genomic context (GRCh38, chr9:35,091,698, plus strand): 5'-AGCCCTGCTACAGCCCGAGGCAGCACCATGGATGCCCCAGAGACCAGGACCCGGAGACGG[G>A]GGGGAGCCTCATCTGCCCCCGACGCCAATGCCCAGTAGGCAGCAGTACCCAATGCCATTA-3'
Protein context (NP_116023.2, residues 720-740): ALASGADEAP[Pro730Leu]RLRVLVSGAS